The following is an entry in ClinVar:

ClinVar aggregate classification (germline): Uncertain significance. Review status: criteria provided, multiple submitters, no conflicts (2 of 4 stars). 2 submissions from 2 submitters: Uncertain significance (2). Last evaluated 2024-11-26.

Allele frequency attached by ClinVar (database versions not stated): gnomAD exomes below 0.00001.
gnomAD v4.1: 4 of 1,614,204 alleles (0.00025%); highest among the groups gnomAD compares: Admixed American, 0.0017%; no homozygotes.

Submissions (2):

Dasa
Classification: Uncertain significance. Last evaluated: 2024-11-26. Review status: criteria provided, single submitter. Criteria: DASA Assertion Criteria. Collection method: clinical testing. Allele origin: germline.
Comment: NM_005502.4(ABCA1):c.671C>T (p.Ala224Val) is a missense variant that results in the substitution of alanine with valine. Computational prediction algorithms are consistent with a benign effect. The currently available literature and clinical evidence are not sufficient to establish a definitive association between this variant and the reported condition. Therefore, this variant is classified as a variant of uncertain significance.

Labcorp Genetics (formerly Invitae), Labcorp
Classification: Uncertain significance. Last evaluated: 2022-07-13. Review status: criteria provided, single submitter. Criteria: Invitae Variant Classification Sherloc (09022015). Collection method: clinical testing. Allele origin: germline.
Comment: In summary, the available evidence is currently insufficient to determine the role of this variant in disease. Therefore, it has been classified as a Variant of Uncertain Significance. Advanced modeling of protein sequence and biophysical properties (such as structural, functional, and spatial information, amino acid conservation, physicochemical variation, residue mobility, and thermodynamic stability) performed at Invitae indicates that this missense variant is not expected to disrupt ABCA1 protein function. This variant has not been reported in the literature in individuals affected with ABCA1-related conditions. This variant is not present in population databases (gnomAD no frequency). This sequence change replaces alanine, which is neutral and non-polar, with valine, which is neutral and non-polar, at codon 224 of the ABCA1 protein (p.Ala224Val).

NM_005502.4(ABCA1):c.671C>T (p.Ala224Val)

Gene: ABCA1 (ATP binding cassette subfamily A member 1; minus strand). Cytogenetic location: 9q31.1.
Variant type: single nucleotide variant.
Coding change: c.671C>T on transcript NM_005502.4 (MANE Select); coding-DNA position 671, C replaced by T.
Protein change: p.Ala224Val; replaces alanine 224 with valine.
Molecular consequence: missense variant.
Genome position (GRCh38, 1-based): chr9:104,858,571, G>A on the plus strand (C>T on the coding strand, the complement: ABCA1 is on the minus strand). VCF-style: chr9-104858571-G-A. GRCh37 (hg19) VCF-style: chr9-107620852-G-A.
Other names: short protein forms A224V.
Identifiers: ClinVar variation 2072949 (VCV002072949.6), dbSNP rs917814829, ClinGen allele CA197363333.